The following is an entry in ClinVar:

NM_000092.5(COL4A4):c.3973+34T>C

Gene: COL4A4 (collagen type IV alpha 4 chain; minus strand). Cytogenetic location: 2q36.3.
Variant type: single nucleotide variant.
Coding change: c.3973+34T>C on transcript NM_000092.5 (MANE Select); 34 bases into the intron after coding-DNA position 3973, T replaced by C.
Molecular consequence: intron variant.
Genome position (GRCh38, 1-based): chr2:227,030,409, A>G on the plus strand (T>C on the coding strand, the complement: COL4A4 is on the minus strand). VCF-style: chr2-227030409-A-G. GRCh37 (hg19) VCF-style: chr2-227895125-A-G.
Identifiers: ClinVar variation 1184794 (VCV001184794.6), dbSNP rs1917127, ClinGen allele CA2144372.

ClinVar aggregate classification (germline): Benign. Review status: criteria provided, multiple submitters, no conflicts (2 of 4 stars). 4 submissions from 4 submitters: Benign (4). Last evaluated 2024-07-15.

Conditions:
Autosomal recessive Alport syndrome (ATS2). Also called: COL4A3-Related Nephropathy; COL4A4 Alport Syndrome and Thin Basement Membrane Nephropathy; ALPORT SYNDROME 2, AUTOSOMAL RECESSIVE; Alport syndrome type 2. Identifiers: Orphanet 63, Orphanet 88919, MedGen C4746745, MONDO:0008762, OMIM 203780.

Allele frequency attached by ClinVar (database versions not stated): gnomAD exomes 0.44178 and 0.47474; ESP Exome Variant Server 0.45409; gnomAD 0.46756 and 0.46972; TOPMed 0.47001; ExAC 0.47220; 1000 Genomes Project 30x 0.49500; 1000 Genomes Project 0.49661.
gnomAD v4.1: 715,075 of 1,608,814 alleles (44%); highest among the groups gnomAD compares: South Asian, 57%; 161,521 homozygotes.

Submissions (4):

Unidad de Genómica Garrahan, Hospital de Pediatría Garrahan
Classification: Benign. Last evaluated: 2024-07-15. Review status: criteria provided, single submitter. Criteria: ACMG Guidelines, 2015. Collection method: clinical testing. Allele origin: germline. Affected: no. Observed: 67 variant alleles.
Comment: This variant is classified as Benign based on local population frequency. This variant was detected in 72% of patients studied in a panel designed for Epileptic and Developmental Encephalopathy and Progressive Myoclonus Epilepsy. Number of patients: 67. Only high quality variants are reported.

Genome-Nilou Lab
Classification: Benign for Autosomal recessive Alport syndrome. Last evaluated: 2021-07-10. Review status: criteria provided, single submitter. Criteria: ACMG Guidelines, 2015. Collection method: clinical testing. Allele origin: germline. Affected: no.

GeneDx
Classification: Benign. Last evaluated: 2018-06-22. Review status: criteria provided, single submitter. Criteria: GeneDx Variant Classification Process June 2021. Collection method: clinical testing. Allele origin: germline. Affected: yes.

Breakthrough Genomics
Classification: Benign. Review status: criteria provided, single submitter. Criteria: ACMG Guidelines, 2015. Collection method: not provided. Allele origin: germline. Inheritance: Autosomal recessive inheritance. Affected: yes.